The following is an entry in ClinVar:

ClinVar aggregate classification (germline): Pathogenic/Likely pathogenic. Review status: criteria provided, multiple submitters, no conflicts (2 of 4 stars). 9 submissions from 9 submitters: Pathogenic (8); Likely pathogenic (1). Last evaluated 2025-12-11.

Conditions:
SKIN/HAIR/EYE PIGMENTATION 1, BLUE/NONBLUE EYES (SHEP1). Also called: BROWN EYE COLOR 2; EYE COLOR 3; EYE COLOR, BLUE/NONBLUE; EYE COLOR, BROWN/BLUE; SKIN/HAIR/EYE PIGMENTATION 1, BLOND/BROWN HAIR; SKIN/HAIR/EYE PIGMENTATION 1, BLUE/BROWN EYES. Identifiers: MedGen C1856895, OMIM 227220.
Tyrosinase-positive oculocutaneous albinism (OCA2). Also called: Oculocutaneous albinism type 2; Albinism, oculocutaneous, type II; ALBINISM II. Identifiers: Orphanet 79432, MedGen C0268495, MONDO:0008746, OMIM 203200.

Allele frequency attached by ClinVar (database versions not stated): gnomAD exomes below 0.00001; TOPMed below 0.00001; ExAC 0.00001; gnomAD 0.00001.
gnomAD v4.1: 7 of 1,613,726 alleles (0.00043%); highest among the groups gnomAD compares: Admixed American, 0.0033%; no homozygotes.

Submissions (9):

3billion
Classification: Pathogenic for Tyrosinase-positive oculocutaneous albinism. Last evaluated: 2025-12-11. Review status: criteria provided, single submitter. Criteria: ACMG Guidelines, 2015. Collection method: clinical testing. Allele origin: germline. Affected: yes.
Comment: The variant is observed at an extremely low frequency in the gnomAD v4.1.0 dataset (total allele frequency: <0.001%). Predicted Consequence/Location: Canonical splice site: predicted to alter splicing and result in a loss or disruption of normal protein function. Multiple pathogenic loss-of-function variants are reported downstream of the variant. The variant has been reported at least twice as pathogenic with clinical assertions and evidence for the classification (ClinVar ID: VCV000436095 /PMID: 31589614). Therefore, this variant is classified as Pathogenic according to the recommendation of ACMG/AMP guideline.

Labcorp Genetics (formerly Invitae), Labcorp
Classification: Pathogenic. Last evaluated: 2025-11-04. Review status: criteria provided, single submitter. Criteria: Invitae Variant Classification Sherloc (09022015). Collection method: clinical testing. Allele origin: germline.
Comment: This sequence change affects a donor splice site in intron 7 of the OCA2 gene. It is expected to disrupt RNA splicing. Variants that disrupt the donor or acceptor splice site typically lead to a loss of protein function (PMID: 16199547), and loss-of-function variants in OCA2 are known to be pathogenic (PMID: 19865097, 21541274). The frequency data for this variant in the population databases is considered unreliable, as metrics indicate poor data quality at this position in the gnomAD database. Disruption of this splice site has been observed in individuals with ocular albinism (PMID: 34838614). ClinVar contains an entry for this variant (Variation ID: 436095). Algorithms developed to predict the effect of sequence changes on RNA splicing suggest that this variant may disrupt the consensus splice site. For these reasons, this variant has been classified as Pathogenic.

CeGaT Center for Human Genetics Tuebingen
Classification: Pathogenic. Last evaluated: 2025-11-01. Review status: criteria provided, single submitter. Criteria: CeGaT Center For Human Genetics Tuebingen Variant Classification Criteria Version 2. Collection method: clinical testing. Allele origin: germline. Affected: yes. Observed: 1 variant allele.
Comment: OCA2: PVS1, PM2, PM3

GeneDx
Classification: Pathogenic. Last evaluated: 2024-10-07. Review status: criteria provided, single submitter. Criteria: GeneDx Variant Classification Process June 2021. Collection method: clinical testing. Allele origin: germline. Affected: yes.
Comment: Canonical splice site variant predicted to result in a null allele in a gene for which loss of function is a known mechanism of disease; Not observed at significant frequency in large population cohorts (gnomAD); This variant is associated with the following publications: (PMID: 31589614, 34838614, 38191074)

Dasa
Classification: Pathogenic. Last evaluated: 2024-05-17. Review status: criteria provided, single submitter. Criteria: DASA Assertion Criteria. Collection method: clinical testing. Allele origin: germline.
Comment: NM_000275.3(OCA2):c.807+1G>T affects a canonical splice site and is predicted to disrupt normal RNA splicing, leading to loss of normal protein function. Loss-of-function is an established mechanism of disease for this gene. This variant has been reported in individuals with related phenotype (PMID: 34838614). Multiple computational predictions support a deleterious effect on the gene or gene product. The variant is present at low frequency in population datasets. Based on the available data, this variant is classified as pathogenic.

Fulgent Genetics
Classification: Pathogenic for Tyrosinase-positive oculocutaneous albinism; SKIN/HAIR/EYE PIGMENTATION 1, BLUE/NONBLUE EYES. Last evaluated: 2024-05-16. Review status: criteria provided, single submitter. Criteria: ACMG Guidelines, 2015. Collection method: clinical testing. Allele origin: germline.

Baylor Genetics
Classification: Likely pathogenic for SKIN/HAIR/EYE PIGMENTATION 1, BLUE/NONBLUE EYES. Last evaluated: 2023-06-01. Review status: criteria provided, single submitter. Criteria: ACMG Guidelines, 2015. Collection method: clinical testing. Allele origin: unknown.

Genetic Services Laboratory, University of Chicago
Classification: Pathogenic for Albinism, oculocutaneous, type II. Last evaluated: 2017-02-17. Review status: criteria provided, single submitter. Criteria: ACMG Guidelines, 2015. Collection method: clinical testing. Allele origin: germline. Affected: yes.

Juno Genomics, Hangzhou Juno Genomics, Inc
Classification: Pathogenic for Tyrosinase-positive oculocutaneous albinism. Review status: criteria provided, single submitter. Criteria: ACMG Guidelines, 2015. Collection method: clinical testing. Allele origin: germline.
Comment: Absent from controls (or at extremely low frequency if recessive) in Genome Aggregation Database.;Null variant in a gene where loss of function (LOF) is a known mechanism of disease.;For recessive disorders, detected in trans with a pathogenic variant.;Patient's phenotype or family history is highly specific for a disease with a single genetic etiology.

Literature cited by the submitters: PubMed 31589614 (cited by 3billion); PubMed 16199547 (cited by Labcorp Genetics (formerly Invitae), Labcorp); PubMed 19865097 (cited by Labcorp Genetics (formerly Invitae), Labcorp); PubMed 21541274 (cited by Labcorp Genetics (formerly Invitae), Labcorp); PubMed 34838614 (cited by Labcorp Genetics (formerly Invitae), Labcorp and Dasa).

NM_000275.3(OCA2):c.807+1G>T

Gene: OCA2 (OCA2 melanosomal transmembrane protein; minus strand). Cytogenetic location: 15q13.1.
Variant type: single nucleotide variant.
Coding change: c.807+1G>T on transcript NM_000275.3 (MANE Select); the canonical splice donor site of the intron after coding-DNA position 807, G replaced by T.
Molecular consequence: splice donor variant.
Genome position (GRCh38, 1-based): chr15:28,018,396, C>A on the plus strand (G>T on the coding strand, the complement: OCA2 is on the minus strand). VCF-style: chr15-28018396-C-A. GRCh37 (hg19) VCF-style: chr15-28263542-C-A.
Other names: c.807+1G>T (NM_001300984.2).
Identifiers: ClinVar variation 436095 (VCV000436095.22), dbSNP rs763219039, ClinGen allele CA7439352.